The following is an entry in ClinVar:

NM_001271.4(CHD2):c.59C>G (p.Ser20Trp)

Gene: CHD2 (chromodomain helicase DNA binding protein 2; plus strand). Cytogenetic location: 15q26.1.
Variant type: single nucleotide variant.
Coding change: c.59C>G on transcript NM_001271.4 (MANE Select); coding-DNA position 59, C replaced by G.
Protein change: p.Ser20Trp; replaces serine 20 with tryptophan.
Molecular consequence: missense variant.
Genome position (GRCh38, 1-based): chr15:92,901,296, C>G. VCF-style: chr15-92901296-C-G. GRCh37 (hg19) VCF-style: chr15-93444526-C-G.
Other names: c.59C>G, p.Ser20Trp (NM_001042572.3); short protein forms S20W.
Identifiers: ClinVar variation 393128 (VCV000393128.5), dbSNP rs1057524801, ClinGen allele CA16606842.

ClinVar aggregate classification (germline): Uncertain significance. Review status: criteria provided, multiple submitters, no conflicts (2 of 4 stars). 2 submissions from 2 submitters: Uncertain significance (2). Last evaluated 2023-07-09.

Conditions:
Developmental and epileptic encephalopathy 94 (DEE94). Also called: Epileptic encephalopathy, childhood-onset; CHD2-Related Neurodevelopmental Disorders. Identifiers: Orphanet 1942, Orphanet 2382, MedGen C3809278, MONDO:0014150, OMIM 615369.

Allele frequency attached by ClinVar (database versions not stated): gnomAD below 0.00001 and 0.00001.

Submissions (2):

Labcorp Genetics (formerly Invitae), Labcorp
Classification: Uncertain significance for Developmental and epileptic encephalopathy 94. Last evaluated: 2023-07-09. Review status: criteria provided, single submitter. Criteria: Invitae Variant Classification Sherloc (09022015). Collection method: clinical testing. Allele origin: germline.
Comment: In summary, the available evidence is currently insufficient to determine the role of this variant in disease. Therefore, it has been classified as a Variant of Uncertain Significance. Advanced modeling of protein sequence and biophysical properties (such as structural, functional, and spatial information, amino acid conservation, physicochemical variation, residue mobility, and thermodynamic stability) performed at Invitae indicates that this missense variant is not expected to disrupt CHD2 protein function. ClinVar contains an entry for this variant (Variation ID: 393128). This variant has not been reported in the literature in individuals affected with CHD2-related conditions. This variant is not present in population databases (gnomAD no frequency). This sequence change replaces serine, which is neutral and polar, with tryptophan, which is neutral and slightly polar, at codon 20 of the CHD2 protein (p.Ser20Trp).

GeneDx
Classification: Uncertain significance. Last evaluated: 2017-01-19. Review status: criteria provided, single submitter. Criteria: GeneDx Variant Classification (06012015). Collection method: clinical testing. Allele origin: germline. Affected: yes.
Comment: A variant of uncertain significance has been identified in the CHD2 gene. The S20W variant has not been published as a pathogenic variant, nor has it been reported as a benign variant to our knowledge. The S20W variant is not observed in large population cohorts (Lek et al., 2016; 1000 Genomes Consortium et al., 2015; Exome Variant Server). The S20W variant is a non-conservative amino acid substitution, which is likely to impact secondary protein structure as these residues differ in polarity, charge, size and/or other properties. This substitution occurs at a position that is conserved across species, and in silico analysis predicts this variant is probably damaging to the protein structure/function. Based on the currently available information, it is unclear whether this variant is a pathogenic variant or a rare benign variant.